The following is an entry in ClinVar:

NM_000047.3(ARSL):c.181A>G (p.Met61Val)

Gene: ARSL (arylsulfatase L; minus strand). Cytogenetic location: Xp22.33.
Variant type: single nucleotide variant.
Coding change: c.181A>G on transcript NM_000047.3 (MANE Select); coding-DNA position 181, A replaced by G.
Protein change: p.Met61Val; replaces methionine 61 with valine.
Molecular consequence: missense variant. On other transcripts: intron variant (1).
Genome position (GRCh38, 1-based): chrX:2,958,278, T>C on the plus strand (A>G on the coding strand, the complement: ARSL is on the minus strand). VCF-style: chrX-2958278-T-C. GRCh37 (hg19) VCF-style: chrX-2876319-T-C.
Other names: c.256A>G, p.Met86Val (NM_001282628.2, NM_001369080.1); c.208A>G, p.Met70Val (NM_001369079.1); c.23+2100A>G (NM_001282631.2); short protein forms M61V, M70V, M86V.
Identifiers: ClinVar variation 2500374 (VCV002500374.1), dbSNP rs952077902, ClinGen allele CA325985727.

ClinVar aggregate classification (germline): Uncertain significance (1 of 4 stars; one submission).

Allele frequency attached by ClinVar (database versions not stated): gnomAD exomes below 0.00001.
gnomAD v4.1: 1 of 1,211,681 alleles (0.000083%); highest among the groups gnomAD compares: East Asian, 0.003%; no homozygotes.

Submission:

GeneDx
Classification: Uncertain significance. Last evaluated: 2022-10-25. Review status: criteria provided, single submitter. Criteria: GeneDx Variant Classification Process June 2021. Collection method: clinical testing. Allele origin: germline. Affected: yes.
Comment: Not observed at significant frequency in large population cohorts (gnomAD); In silico analysis supports a deleterious effect on splicing; In silico analysis supports that this missense variant does not alter protein structure/function; Has not been previously published as pathogenic or benign to our knowledge